The following is an entry in ClinVar:

NM_001005273.3(CHD3):c.3560G>C (p.Arg1187Pro)

Gene: CHD3 (chromodomain helicase DNA binding protein 3; plus strand). Cytogenetic location: 17p13.1.
Variant type: single nucleotide variant.
Coding change: c.3560G>C on transcript NM_001005273.3 (MANE Select); coding-DNA position 3560, G replaced by C.
Protein change: p.Arg1187Pro; replaces arginine 1187 with proline.
Molecular consequence: missense variant.
Genome position (GRCh38, 1-based): chr17:7,903,336, G>C. VCF-style: chr17-7903336-G-C. GRCh37 (hg19) VCF-style: chr17-7806654-G-C.
Other names: c.3737G>C, p.Arg1246Pro (NM_001005271.3); c.3560G>C, p.Arg1187Pro (NM_005852.4); c.3737G>C (NM_001005271.2); short protein forms R1187P, R1246P.
Identifiers: ClinVar variation 549744 (VCV000549744.8), dbSNP rs1567861571, ClinGen allele CA397942173.

ClinVar aggregate classification (germline): Conflicting classifications of pathogenicity. Review status: criteria provided, conflicting classifications (1 of 4 stars). 6 submissions from 6 submitters: Pathogenic (3); Likely pathogenic (1); Uncertain significance (1). 1 of the submissions does not count toward it. Last evaluated 2026-07-01.

Conditions:
Intellectual disability. Also called: Intellectual developmental disorder; intellectual disabilities; Intellectual functioning disability. Identifiers: MedGen C3714756, MeSH D008607, MONDO:0001071, HP:0001249.
Snijders Blok-Campeau syndrome. Also called: INTELLECTUAL DEVELOPMENTAL DISORDER WITH MACROCEPHALY, SPEECH DELAY, AND DYSMORPHIC FACIES. Identifiers: Orphanet 599082, MedGen C4748701, MONDO:0032600, OMIM 618205.

Submissions (6):

CeGaT Center for Human Genetics Tuebingen
Classification: Pathogenic. Last evaluated: 2026-07-01. Review status: criteria provided, single submitter. Criteria: CeGaT Center For Human Genetics Tuebingen Variant Classification Criteria Version 2. Collection method: clinical testing. Allele origin: germline. Affected: yes. Observed: 1 variant allele.
Comment: CHD3: PM1, PM2, PS2:Moderate, PM5:Supporting, PP2, PP3, PS4:Supporting

GeneDx
Classification: Pathogenic. Last evaluated: 2025-06-20. Review status: criteria provided, single submitter. Criteria: GeneDx Variant Classification Process June 2021. Collection method: clinical testing. Allele origin: germline. Affected: yes.
Comment: In silico analysis supports that this missense variant has a deleterious effect on protein structure/function; Not observed at significant frequency in large population cohorts (gnomAD); This variant is associated with the following publications: (PMID: 30397230)

Institute of Human Genetics, University of Leipzig Medical Center
Classification: Likely pathogenic for Snijders Blok-Campeau syndrome. Last evaluated: 2024-04-22. Review status: criteria provided, single submitter. Criteria: ACMG Guidelines, 2015. Collection method: clinical testing. Allele origin: de novo. Inheritance: Autosomal dominant inheritance. Affected: yes.
Comment: Criteria applied: PS4_MOD,PS2,PM2,PP2,PP3

Institute of Human Genetics Munich, TUM University Hospital
Classification: Pathogenic for Snijders Blok-Campeau syndrome. Last evaluated: 2022-09-21. Review status: criteria provided, single submitter. Criteria: Classification criteria August 2017. Collection method: clinical testing. Allele origin: de novo. Inheritance: Autosomal dominant inheritance. Affected: yes. Observed: 1 variant allele.

SIB Swiss Institute of Bioinformatics
Classification: Uncertain significance for Snijders Blok-Campeau syndrome. Last evaluated: 2019-02-19. Review status: criteria provided, single submitter. Criteria: ACMG Guidelines, 2015. Collection method: curation. Allele origin: unknown.
Comment: This variant is interpreted as a Uncertain significance-Conflicting evidence for Snijders Blok-Campeau syndrome, autosomal dominant. The following ACMG Tag(s) were applied: PM2 : Absent from controls (or at extremely low frequency if recessive) in Exome Sequencing Project, 1000 Genomes Project, or Exome Aggregation Consortium. PM6-Strong : PM6 upgraded in strength to Strong (PMID:30397230). PM1-supporting : PM1 downgraded in strength to Supporting. PP2 : Missense variant in a gene that has a low rate of benign missense variation and in which missense variants are a common mechanism of disease. PP3 : Multiple lines of computational evidence support a deleterious effect on the gene or gene product. BS3 :Well-established in vitro or in vivo functional studies show no damaging effect on protein function or splicing (PMID:30397230).

CHU Sainte-Justine Research Center, University of Montreal
Classification: Likely pathogenic for Intellectual disability. Last evaluated: 2018-05-03. Review status: no assertion criteria provided. Collection method: research. Allele origin: germline. Affected: yes. Not counted in ClinVar's aggregate classification.

Literature cited by the submitters: PubMed 30397230 (cited by SIB Swiss Institute of Bioinformatics).